The following is an entry in ClinVar:

NM_001364857.2(ADGRB2):c.3151G>A (p.Ala1051Thr)

Gene: ADGRB2 (adhesion G protein-coupled receptor B2; minus strand). Cytogenetic location: 1p35.2.
Variant type: single nucleotide variant.
Coding change: c.3151G>A on transcript NM_001364857.2 (MANE Select); coding-DNA position 3151, G replaced by A.
Protein change: p.Ala1051Thr; replaces alanine 1051 with threonine.
Molecular consequence: missense variant.
Genome position (GRCh38, 1-based): chr1:31,736,370, C>T on the plus strand (G>A on the coding strand, the complement: ADGRB2 is on the minus strand). VCF-style: chr1-31736370-C-T. GRCh37 (hg19) VCF-style: chr1-32201971-C-T.
Other names: c.3151G>A, p.Ala1051Thr (NM_001294335.2, NM_001294336.2); short protein forms A1051T.
Identifiers: ClinVar variation 3621348 (VCV003621348.2).
Genomic context (GRCh38, chr1:31,736,370, plus strand): 5'-GGCCCACGTACTAGCTGGATGTACCGTATCCTTTCGTTCGGGTAAAGCCAACAGACACGG[C>T]CACCACCAGGGCAGGCAGACCTGGGGGAGCAGGGGTGCCAGAGTGAGATGGTTGCTGGTC-3'
Protein context (NP_001351786.1, residues 1041-1061): LGWGLPALVV[Ala1051Thr]VSVGFTRTKG

ClinVar aggregate classification (germline): Uncertain significance (1 of 4 stars; one submission).

Submission:

Labcorp Genetics (formerly Invitae), Labcorp
Classification: Uncertain significance. Last evaluated: 2024-08-12. Review status: criteria provided, single submitter. Criteria: Invitae Variant Classification Sherloc (09022015). Collection method: clinical testing. Allele origin: germline.
Comment: This sequence change replaces alanine, which is neutral and non-polar, with threonine, which is neutral and polar, at codon 1051 of the ADGRB2 protein (p.Ala1051Thr). This variant is not present in population databases (gnomAD no frequency). This variant has not been reported in the literature in individuals affected with ADGRB2-related conditions. An algorithm developed to predict the effect of missense changes on protein structure and function (PolyPhen-2) suggests that this variant is likely to be disruptive. In summary, the available evidence is currently insufficient to determine the role of this variant in disease. Therefore, it has been classified as a Variant of Uncertain Significance.